The following is an entry in ClinVar:

ClinVar aggregate classification (germline): Uncertain significance (1 of 4 stars; one submission).

Conditions:
Neuronal ceroid lipofuscinosis. Also called: Neuronal Ceroid Lipofuscinoses. Identifiers: Orphanet 216, Orphanet 79263, MedGen C0027877, MONDO:0016295. Disease mechanism: loss of function.

Allele frequency attached by ClinVar (database versions not stated): TOPMed below 0.00001.

Submission:

Labcorp Genetics (formerly Invitae), Labcorp
Classification: Uncertain significance for Neuronal ceroid lipofuscinosis. Last evaluated: 2022-11-07. Review status: criteria provided, single submitter. Criteria: Invitae Variant Classification Sherloc (09022015). Collection method: clinical testing. Allele origin: germline.
Comment: In summary, the available evidence is currently insufficient to determine the role of this variant in disease. Therefore, it has been classified as a Variant of Uncertain Significance. Advanced modeling of protein sequence and biophysical properties (such as structural, functional, and spatial information, amino acid conservation, physicochemical variation, residue mobility, and thermodynamic stability) performed at Invitae indicates that this missense variant is expected to disrupt CTSD protein function. ClinVar contains an entry for this variant (Variation ID: 958000). This variant has not been reported in the literature in individuals affected with CTSD-related conditions. This variant is not present in population databases (gnomAD no frequency). This sequence change replaces histidine, which is basic and polar, with tyrosine, which is neutral and polar, at codon 120 of the CTSD protein (p.His120Tyr).

NM_001909.5(CTSD):c.358C>T (p.His120Tyr)

Gene: CTSD (cathepsin D; minus strand). Cytogenetic location: 11p15.5.
Variant type: single nucleotide variant.
Coding change: c.358C>T on transcript NM_001909.5 (MANE Select); coding-DNA position 358, C replaced by T.
Protein change: p.His120Tyr; replaces histidine 120 with tyrosine.
Molecular consequence: missense variant.
Genome position (GRCh38, 1-based): chr11:1,759,082, G>A on the plus strand (C>T on the coding strand, the complement: CTSD is on the minus strand). VCF-style: chr11-1759082-G-A. GRCh37 (hg19) VCF-style: chr11-1780312-G-A.
Other names: short protein forms H120Y.
Identifiers: ClinVar variation 958000 (VCV000958000.9), dbSNP rs1381781298, ClinGen allele CA379097748.
Genomic context (GRCh38, chr11:1,759,082, plus strand): 5'-TGTCAAACGAGGTACCATTCTTCACGTAGGTGCTGGACTTGTCGCTGTTGTACTTGTGGT[G>A]GATCCCTGCCCCGGGCGACAAGGGGGCCCGCCGGTCATCCCGCAGCCCACGCCACGGCCT-3'
Protein context (NP_001900.1, residues 110-130): CKLLDIACWI[His120Tyr]HKYNSDKSST